The following is an entry in ClinVar:

NM_001366385.1(CARD14):c.2819A>G (p.Gln940Arg)

Genes: SGSH (N-sulfoglucosamine sulfohydrolase; minus strand), CARD14 (caspase recruitment domain family member 14; plus strand). Cytogenetic location: 17q25.3.
Variant type: single nucleotide variant.
Coding change: c.2819A>G on transcript NM_001366385.1 (MANE Select); coding-DNA position 2819, A replaced by G.
Protein change: p.Gln940Arg; replaces glutamine 940 with arginine.
Molecular consequence: missense variant. On other transcripts: non-coding transcript variant (1).
Genome position (GRCh38, 1-based): chr17:80,208,149, A>G. VCF-style: chr17-80208149-A-G. GRCh37 (hg19) VCF-style: chr17-78181948-A-G.
Other names: c.2819A>G, p.Gln940Arg (NM_024110.4); short protein forms Q940R.
Identifiers: ClinVar variation 1421079 (VCV001421079.8), dbSNP rs2041449908, ClinGen allele CA401357145.
Genomic context (GRCh38, chr17:80,208,149, plus strand): 5'-GGCCCTTGCTCTCCCCTGAGCCCGCCCCCCCCAACTCTGGCCTGTGCAGGAAGGGCCTAC[A>G]GCGGTTGGGCACCTCAGAGGAGCAGCTCCTGGAGGCTGCGAGGCAGGAGGAGGGAGACCT-3'
Protein context (NP_001353314.1, residues 930-950): KMAKKLKKGL[Gln940Arg]RLGTSEEQLL

ClinVar aggregate classification (germline): Uncertain significance (1 of 4 stars; one submission).

Conditions:
Pityriasis rubra pilaris (PRP). Also called: Pityriasis rubra pilaris--familial type. Identifiers: Orphanet 2897, MedGen C0032027, MONDO:0100017, OMIM 173200, MONDO:0008251.
Psoriasis 2. Identifiers: MedGen C1864497, MONDO:0011269, OMIM 602723.

gnomAD v4.1: 1 of 1,542,898 alleles (0.000065%); highest among the groups gnomAD compares: Non-Finnish European, 0.000088%; no homozygotes.

Submission:

Labcorp Genetics (formerly Invitae), Labcorp
Classification: Uncertain significance for Pityriasis rubra pilaris; Psoriasis 2. Last evaluated: 2020-12-24. Review status: criteria provided, single submitter. Criteria: Invitae Variant Classification Sherloc (09022015). Collection method: clinical testing. Allele origin: germline.
Comment: This variant has not been reported in the literature in individuals with CARD14-related conditions. This variant is not present in population databases (ExAC no frequency). This sequence change replaces glutamine with arginine at codon 940 of the CARD14 protein (p.Gln940Arg). The glutamine residue is highly conserved and there is a small physicochemical difference between glutamine and arginine. In summary, the available evidence is currently insufficient to determine the role of this variant in disease. Therefore, it has been classified as a Variant of Uncertain Significance. Algorithms developed to predict the effect of missense changes on protein structure and function are either unavailable or do not agree on the potential impact of this missense change (SIFT: "Tolerated"; PolyPhen-2: "Possibly Damaging"; Align-GVGD: "Class C0").